The following is an entry in ClinVar:

NM_001855.5(COL15A1):c.75T>C (p.Ala25=)

Genes: COL15A1 (collagen type XV alpha 1 chain; plus strand), COL15A1-AS1 (COL15A1 antisense RNA 1; minus strand). Cytogenetic location: 9q22.33.
Variant type: single nucleotide variant.
Coding change: c.75T>C on transcript NM_001855.5 (MANE Select); coding-DNA position 75, T replaced by C.
Protein change: p.Ala25=; no amino-acid change (alanine 25 retained).
Molecular consequence: synonymous variant.
Genome position (GRCh38, 1-based): chr9:98,944,225, T>C. VCF-style: chr9-98944225-T-C. GRCh37 (hg19) VCF-style: chr9-101706507-T-C.
Identifiers: ClinVar variation 3048016 (VCV003048016.2), dbSNP rs577588200, ClinGen allele CA5154431.

ClinVar aggregate classification (germline): Likely benign (0 of 4 stars; one submission).

Conditions:
COL15A1-related disorder. Also called: COL15A1-related condition.

Allele frequency attached by ClinVar (database versions not stated): TOPMed 0.00004; 1000 Genomes Project 30x 0.00031; ExAC 0.00039; 1000 Genomes Project 0.00020; gnomAD exomes 0.00023; gnomAD 0.00006.
gnomAD v4.1: 346 of 1,614,006 alleles (0.021%); highest among the groups gnomAD compares: South Asian, 0.28%; 4 homozygotes.

Submission:

PreventionGenetics, part of Exact Sciences
Classification: Likely benign for COL15A1-related condition. Last evaluated: 2019-02-22. Review status: no assertion criteria provided. Collection method: clinical testing. Allele origin: germline.
Comment: This variant is classified as likely benign based on ACMG/AMP sequence variant interpretation guidelines (Richards et al. 2015 PMID: 25741868, with internal and published modifications).